The following is an entry in ClinVar:

ClinVar aggregate classification (germline): Likely benign (1 of 4 stars; one submission).

Allele frequency attached by ClinVar (database versions not stated): 1000 Genomes Project 0.00240; 1000 Genomes Project 30x 0.00265; gnomAD 0.00282; TOPMed 0.00312.

Submission:

GeneDx
Classification: Likely benign. Last evaluated: 2021-05-20. Review status: criteria provided, single submitter. Criteria: GeneDx Variant Classification Process June 2021. Collection method: clinical testing. Allele origin: germline. Affected: yes.
Comment: See Variant Classification Assertion Criteria.

NM_153240.5(NPHP3):c.*673C>G

Genes: NPHP3 (nephrocystin 3; minus strand), NPHP3-ACAD11 (NPHP3-ACAD11 readthrough (NMD candidate); minus strand). Cytogenetic location: 3q22.1.
Variant type: single nucleotide variant.
Coding change: c.*673C>G on transcript NM_153240.5 (MANE Select); 673 bases downstream of the stop codon, C replaced by G.
Molecular consequence: 3 prime UTR variant.
Genome position (GRCh38, 1-based): chr3:132,681,237, G>C on the plus strand (C>G on the coding strand, the complement: NPHP3 is on the minus strand). VCF-style: chr3-132681237-G-C. GRCh37 (hg19) VCF-style: chr3-132400081-G-C.
Identifiers: ClinVar variation 2499840 (VCV002499840.1), dbSNP rs115127733, ClinGen allele CA83579633.